The following is an entry in ClinVar:

ClinVar aggregate classification (germline): Uncertain significance (1 of 4 stars; one submission).

gnomAD v4.1: 4 of 1,607,516 alleles (0.00025%); highest among the groups gnomAD compares: Non-Finnish European, 0.00025%; no homozygotes.

Submission:

Labcorp Genetics (formerly Invitae), Labcorp
Classification: Uncertain significance. Last evaluated: 2024-12-04. Review status: criteria provided, single submitter. Criteria: Invitae Variant Classification Sherloc (09022015). Collection method: clinical testing. Allele origin: germline.
Comment: This sequence change falls in intron 11 of the STT3A gene. It does not directly change the encoded amino acid sequence of the STT3A protein. It affects a nucleotide within the consensus splice site. This variant is present in population databases (no rsID available, gnomAD 0.0009%). This variant has not been reported in the literature in individuals affected with STT3A-related conditions. Variants that disrupt the consensus splice site are a relatively common cause of aberrant splicing (PMID: 17576681, 9536098). Algorithms developed to predict the effect of sequence changes on RNA splicing suggest that this variant is not likely to affect RNA splicing. In summary, the available evidence is currently insufficient to determine the role of this variant in disease. Therefore, it has been classified as a Variant of Uncertain Significance.

Literature cited by the submitters: PubMed 17576681; PubMed 9536098.

NM_152713.5(STT3A):c.1117+3A>G

Gene: STT3A (STT3 oligosaccharyltransferase complex catalytic subunit A; plus strand). Cytogenetic location: 11q24.2.
Variant type: single nucleotide variant.
Coding change: c.1117+3A>G on transcript NM_152713.5 (MANE Select); 3 bases into the intron after coding-DNA position 1117, A replaced by G.
Molecular consequence: intron variant.
Genome position (GRCh38, 1-based): chr11:125,609,592, A>G. VCF-style: chr11-125609592-A-G. GRCh37 (hg19) VCF-style: chr11-125479487-A-G.
Other names: c.1117+3A>G (NM_001278503.2); c.841+3A>G (NM_001278504.2).
Identifiers: ClinVar variation 3701951 (VCV003701951.2).